The following is an entry in ClinVar:

ClinVar aggregate classification (germline): Uncertain significance (1 of 4 stars; one submission).

Submission:

GeneDx
Classification: Uncertain significance. Last evaluated: 2023-06-23. Review status: criteria provided, single submitter. Criteria: GeneDx Variant Classification Process June 2021. Collection method: clinical testing. Allele origin: germline. Affected: yes.
Comment: Not observed at significant frequency in large population cohorts (gnomAD); In silico analysis supports that this missense variant has a deleterious effect on protein structure/function; Has not been previously published as pathogenic or benign to our knowledge

NM_003107.3(SOX4):c.98C>T (p.Ser33Phe)

Gene: SOX4 (SRY-box transcription factor 4; plus strand). Cytogenetic location: 6p22.3.
Variant type: single nucleotide variant.
Coding change: c.98C>T on transcript NM_003107.3 (MANE Select); coding-DNA position 98, C replaced by T.
Protein change: p.Ser33Phe; replaces serine 33 with phenylalanine.
Molecular consequence: missense variant.
Genome position (GRCh38, 1-based): chr6:21,594,632, C>T. VCF-style: chr6-21594632-C-T. GRCh37 (hg19) VCF-style: chr6-21594863-C-T.
Other names: short protein forms S33F.
Identifiers: ClinVar variation 3360418 (VCV003360418.1).
Genomic context (GRCh38, chr6:21,594,632, plus strand): 5'-CGCTGCTGGCCGGCGAGAGCTCGGACTCGGGCGCCGGCCTCGAGCTGGGAATCGCCTCCT[C>T]CCCCACGCCCGGCTCCACCGCCTCCACGGGCGGCAAGGCCGACGACCCGAGCTGGTGCAA-3'
Protein context (NP_003098.1, residues 23-43): GAGLELGIAS[Ser33Phe]PTPGSTASTG